The following is an entry in ClinVar:

NM_000426.4(LAMA2):c.4450T>C (p.Cys1484Arg)

Gene: LAMA2 (laminin subunit alpha 2; plus strand). Cytogenetic location: 6q22.33.
Variant type: single nucleotide variant.
Coding change: c.4450T>C on transcript NM_000426.4 (MANE Select); coding-DNA position 4450, T replaced by C.
Protein change: p.Cys1484Arg; replaces cysteine 1484 with arginine.
Molecular consequence: missense variant.
Genome position (GRCh38, 1-based): chr6:129,349,311, T>C. VCF-style: chr6-129349311-T-C. GRCh37 (hg19) VCF-style: chr6-129670456-T-C.
Other names: c.4450T>C, p.Cys1484Arg (NM_001079823.2); short protein forms C1484R.
Identifiers: ClinVar variation 543858 (VCV000543858.4), dbSNP rs776785855, ClinGen allele CA3993561.

ClinVar aggregate classification (germline): Uncertain significance (1 of 4 stars; one submission).

Conditions:
LAMA2-related muscular dystrophy (LAMA2-RD). Also called: Laminin alpha 2-related dystrophy. Identifiers: MedGen C5679788, MONDO:0100228.

Allele frequency attached by ClinVar (database versions not stated): gnomAD exomes 0.00001 and 0.00002; ExAC 0.00002; TOPMed 0.00002.
gnomAD v4.1: 5 of 1,613,388 alleles (0.00031%); highest among the groups gnomAD compares: Admixed American, 0.0083%; no homozygotes.

Submission:

Labcorp Genetics (formerly Invitae), Labcorp
Classification: Uncertain significance for LAMA2-related muscular dystrophy. Last evaluated: 2022-08-02. Review status: criteria provided, single submitter. Criteria: Invitae Variant Classification Sherloc (09022015). Collection method: clinical testing. Allele origin: germline.
Comment: This sequence change replaces cysteine, which is neutral and slightly polar, with arginine, which is basic and polar, at codon 1484 of the LAMA2 protein (p.Cys1484Arg). This variant is present in population databases (rs776785855, gnomAD 0.01%). This variant has not been reported in the literature in individuals affected with LAMA2-related conditions. ClinVar contains an entry for this variant (Variation ID: 543858). Advanced modeling of protein sequence and biophysical properties (such as structural, functional, and spatial information, amino acid conservation, physicochemical variation, residue mobility, and thermodynamic stability) performed at Invitae indicates that this missense variant is expected to disrupt LAMA2 protein function. In summary, the available evidence is currently insufficient to determine the role of this variant in disease. Therefore, it has been classified as a Variant of Uncertain Significance.